The following is an entry in ClinVar:

NM_001370259.2(MEN1):c.1173G>A (p.Gly391=)

Gene: MEN1 (menin 1; minus strand). Cytogenetic location: 11q13.1.
Variant type: single nucleotide variant.
Coding change: c.1173G>A on transcript NM_001370259.2 (MANE Select); coding-DNA position 1173, G replaced by A.
Protein change: p.Gly391=; no amino-acid change (glycine 391 retained).
Molecular consequence: synonymous variant.
Genome position (GRCh38, 1-based): chr11:64,805,647, C>T on the plus strand (G>A on the coding strand, the complement: MEN1 is on the minus strand). VCF-style: chr11-64805647-C-T. GRCh37 (hg19) VCF-style: chr11-64573119-C-T.
Other names: c.1188G>A, p.Gly396= (NM_000244.4, NM_130800.3, NM_130801.3 and 3 more transcripts); c.1299G>A, p.Gly433= (NM_001370251.2); c.1173G>A, p.Gly391= (NM_001370260.2, NM_001370261.2, NM_130799.3); c.1068G>A, p.Gly356= (NM_001370262.2, NM_001370263.2).
Identifiers: ClinVar variation 758513 (VCV000758513.11), dbSNP rs1592639850, ClinGen allele CA474983079.

ClinVar aggregate classification (germline): Benign/Likely benign. Review status: criteria provided, multiple submitters, no conflicts (2 of 4 stars). 3 submissions from 3 submitters: Benign (1); Likely benign (2). Last evaluated 2024-11-04.

Conditions:
Multiple endocrine neoplasia, type 1 (MEN1). Also called: MEA I; WERMER SYNDROME; Endocrine adenomatosis multiple; MEN 1; MEN I. Identifiers: Orphanet 652, MedGen C0025267, MeSH D018761, MONDO:0007540, OMIM 131100.
Hereditary cancer-predisposing syndrome. Also called: Tumor predisposition; Hereditary Cancer Syndrome; Neoplastic Syndromes, Hereditary; Hereditary neoplastic syndrome. Identifiers: Orphanet 140162, MedGen C0027672, MeSH D009386, MONDO:0015356.

Allele frequency attached by ClinVar (database versions not stated): gnomAD exomes below 0.00001.

Submissions (3):

Myriad Genetics, Inc.
Classification: Benign for Multiple endocrine neoplasia, type 1. Last evaluated: 2024-11-04. Review status: criteria provided, single submitter. Criteria: Myriad Autosomal Dominant, Autosomal Recessive and X-Linked Classification Criteria (2023). Collection method: clinical testing. Allele origin: unknown.
Comment: This variant is considered benign. This variant is a silent/synonymous amino acid change and it is not expected to impact splicing.

Ambry Genetics
Classification: Likely benign for Hereditary cancer-predisposing syndrome. Last evaluated: 2024-07-09. Review status: criteria provided, single submitter. Criteria: Ambry Variant Classification Scheme 2023. Collection method: clinical testing. Allele origin: germline.

Labcorp Genetics (formerly Invitae), Labcorp
Classification: Likely benign for Multiple endocrine neoplasia, type 1. Last evaluated: 2023-07-22. Review status: criteria provided, single submitter. Criteria: Invitae Variant Classification Sherloc (09022015). Collection method: clinical testing. Allele origin: germline.